The following is an entry in ClinVar:

ClinVar aggregate classification (germline): Uncertain significance (1 of 4 stars; one submission).

Conditions:
Neurofibromatosis, type 1 (NF1). Also called: Peripheral type neurofibromatosis; Neurofibromatosis, type I; NEUROFIBROMATOSIS, TYPE I, SOMATIC; VON RECKLINGHAUSEN DISEASE. Identifiers: Orphanet 636, MedGen C0027831, MONDO:0018975, OMIM 162200. Disease mechanism: loss of function.

Submission:

Labcorp Genetics (formerly Invitae), Labcorp
Classification: Uncertain significance for Neurofibromatosis, type 1. Last evaluated: 2021-07-12. Review status: criteria provided, single submitter. Criteria: Invitae Variant Classification Sherloc (09022015). Collection method: clinical testing. Allele origin: germline.
Comment: This sequence change replaces valine with phenylalanine at codon 996 of the NF1 protein (p.Val996Phe). The valine residue is moderately conserved and there is a small physicochemical difference between valine and phenylalanine. This variant is not present in population databases (ExAC no frequency). This variant has not been reported in the literature in individuals affected with NF1-related conditions. Advanced modeling of protein sequence and biophysical properties (such as structural, functional, and spatial information, amino acid conservation, physicochemical variation, residue mobility, and thermodynamic stability) performed at Invitae indicates that this missense variant is expected to disrupt NF1 protein function. In summary, the available evidence is currently insufficient to determine the role of this variant in disease. Therefore, it has been classified as a Variant of Uncertain Significance.

NM_001042492.3(NF1):c.2986G>T (p.Val996Phe)

Gene: NF1 (neurofibromin 1; plus strand). Cytogenetic location: 17q11.2.
Variant type: single nucleotide variant.
Coding change: c.2986G>T on transcript NM_001042492.3 (MANE Select); coding-DNA position 2986, G replaced by T.
Protein change: p.Val996Phe; replaces valine 996 with phenylalanine.
Molecular consequence: missense variant.
Genome position (GRCh38, 1-based): chr17:31,229,970, G>T. VCF-style: chr17-31229970-G-T. GRCh37 (hg19) VCF-style: chr17-29556988-G-T.
Other names: c.2986G>T, p.Val996Phe (NM_000267.4); short protein forms V996F.
Identifiers: ClinVar variation 1366894 (VCV001366894.8), dbSNP rs2151430840, ClinGen allele CA398986445.